The following is an entry in ClinVar:

NM_003200.5(TCF3):c.22G>T (p.Ala8Ser)

Gene: TCF3 (transcription factor 3; minus strand). Cytogenetic location: 19p13.3.
Variant type: single nucleotide variant.
Coding change: c.22G>T on transcript NM_003200.5 (MANE Select); coding-DNA position 22, G replaced by T.
Protein change: p.Ala8Ser; replaces alanine 8 with serine.
Molecular consequence: missense variant.
Genome position (GRCh38, 1-based): chr19:1,650,227, C>A on the plus strand (G>T on the coding strand, the complement: TCF3 is on the minus strand). VCF-style: chr19-1650227-C-A. GRCh37 (hg19) VCF-style: chr19-1650226-C-A.
Other names: c.22G>T, p.Ala8Ser (NM_001136139.4, NM_001351778.2, NM_001351779.2); short protein forms A8S.
Identifiers: ClinVar variation 782317 (VCV000782317.20), dbSNP rs147133056, ClinGen allele CA9050614.

ClinVar aggregate classification (germline): Likely benign. Review status: criteria provided, multiple submitters, no conflicts (2 of 4 stars). 5 submissions from 5 submitters: Likely benign (4). 1 of the submissions does not count toward it. Last evaluated 2026-02-12.

Conditions:
TCF3-related disorder. Also called: TCF3-related condition.

Allele frequency attached by ClinVar (database versions not stated): 1000 Genomes Project 30x 0.00016; 1000 Genomes Project 0.00020; gnomAD 0.00113 and 0.00114; TOPMed 0.00117; ExAC 0.00174; ESP Exome Variant Server 0.00241.
gnomAD v4.1: 3,326 of 1,569,908 alleles (0.21%); highest among the groups gnomAD compares: Non-Finnish European, 0.27%; 6 homozygotes.

Submissions (5):

Women's Health and Genetics/Laboratory Corporation of America, LabCorp
Classification: Likely benign. Last evaluated: 2026-02-12. Review status: criteria provided, single submitter. Criteria: LabCorp Variant Classification Summary - May 2015. Collection method: clinical testing. Allele origin: germline.
Comment: Variant summary: TCF3 c.22G>T (p.Ala8Ser) results in a conservative amino acid change in the encoded protein sequence. Algorithms developed to predict the effect of missense changes on protein structure and function are either unavailable or do not agree on the potential impact of this missense change. The variant allele was found at a frequency of 0.0011 in 180078 control chromosomes, predominantly at a frequency of 0.002 within the Non-Finnish European subpopulation in the gnomAD database. The observed variant frequency within Non-Finnish European control individuals in the gnomAD database exceeds the estimated maximal expected allele frequency for disease-causing variants in TCF3. To our knowledge, no occurrence of c.22G>T in individuals affected with TCF3-related conditions and no experimental evidence demonstrating its impact on protein function have been reported. ClinVar contains an entry for this variant (Variation ID: 782317). Based on the evidence outlined above, the variant was classified as likely benign.

Labcorp Genetics (formerly Invitae), Labcorp
Classification: Likely benign. Last evaluated: 2026-01-18. Review status: criteria provided, single submitter. Criteria: Invitae Variant Classification Sherloc (09022015). Collection method: clinical testing. Allele origin: germline.

CeGaT Center for Human Genetics Tuebingen
Classification: Likely benign. Last evaluated: 2026-01-01. Review status: criteria provided, single submitter. Criteria: CeGaT Center For Human Genetics Tuebingen Variant Classification Criteria Version 2. Collection method: clinical testing. Allele origin: germline. Affected: yes. Observed: 2 variant alleles.
Comment: TCF3: BP4, BS2

Blueprint Genetics
Classification: Likely benign. Last evaluated: 2024-11-22. Review status: criteria provided, single submitter. Criteria: ACMG Guidelines, 2015. Collection method: clinical testing. Allele origin: germline.

PreventionGenetics, part of Exact Sciences
Classification: Likely benign for TCF3-related condition. Last evaluated: 2023-02-22. Review status: no assertion criteria provided. Collection method: clinical testing. Allele origin: germline. Not counted in ClinVar's aggregate classification.
Comment: This variant is classified as likely benign based on ACMG/AMP sequence variant interpretation guidelines (Richards et al. 2015 PMID: 25741868, with internal and published modifications).